The following is an entry in ClinVar:

ClinVar aggregate classification (germline): Uncertain significance (1 of 4 stars; one submission).

Conditions:
Epidermolysis bullosa simplex with nail dystrophy (EBS5D). Identifiers: MedGen C4225309, MONDO:0014661, OMIM 616487.
Epidermolysis bullosa simplex, Ogna type (EBS5A). Also called: EPIDERMOLYSIS BULLOSA SIMPLEX 5A, OGNA TYPE; Pidermolysis bullosa simplex 5A, Ogna type. Identifiers: Orphanet 79401, MedGen C0432317, MONDO:0007555, OMIM 131950.
Autosomal recessive limb-girdle muscular dystrophy type 2Q (LGMDR17). Also called: MUSCULAR DYSTROPHY, LIMB-GIRDLE, AUTOSOMAL RECESSIVE 17. Identifiers: Orphanet 254361, MedGen C3150989, MONDO:0013390, OMIM 613723.
Epidermolysis bullosa simplex 5B, with muscular dystrophy (EBS5B). Also called: EPIDERMOLYSIS BULLOSA SIMPLEX AND LIMB-GIRDLE MUSCULAR DYSTROPHY; Epidermolysis bullosa simplex with muscular dystrophy. Identifiers: Orphanet 257, MedGen C2931072, MONDO:0009181, OMIM 226670.
Epidermolysis bullosa simplex 5C, with pyloric atresia (EBS5C). Also called: PLEC-Related Epidermolysis Bullosa with Pyloric Atresia; Epidermolysis bullosa simplex with pyloric atresia; PLEC1-Related Epidermolysis Bullosa with Pyloric Atresia. Identifiers: Orphanet 158684, MedGen C2677349, MONDO:0012807, OMIM 612138.

Submission:

Labcorp Genetics (formerly Invitae), Labcorp
Classification: Uncertain significance for Autosomal recessive limb-girdle muscular dystrophy type 2Q; Epidermolysis bullosa simplex, Ogna type; Epidermolysis bullosa simplex with nail dystrophy; Epidermolysis bullosa simplex 5C, with pyloric atresia; Epidermolysis bullosa simplex 5B, with muscular dystrophy. Last evaluated: 2025-09-10. Review status: criteria provided, single submitter. Criteria: Invitae Variant Classification Sherloc (09022015). Collection method: clinical testing. Allele origin: germline.
Comment: This sequence change replaces proline, which is neutral and non-polar, with leucine, which is neutral and non-polar, at codon 3725 of the PLEC protein (p.Pro3725Leu). This variant is not present in population databases (gnomAD no frequency). This variant has not been reported in the literature in individuals affected with PLEC-related conditions. An algorithm developed to predict the effect of missense changes on protein structure and function (PolyPhen-2) suggests that this variant is likely to be disruptive. In summary, the available evidence is currently insufficient to determine the role of this variant in disease. Therefore, it has been classified as a Variant of Uncertain Significance.

NM_201384.3(PLEC):c.11093C>T (p.Pro3698Leu)

Gene: PLEC (plectin; minus strand). Cytogenetic location: 8q24.3.
Variant type: single nucleotide variant.
Coding change: c.11093C>T on transcript NM_201384.3 (MANE Select); coding-DNA position 11093, C replaced by T.
Protein change: p.Pro3698Leu; replaces proline 3698 with leucine.
Molecular consequence: missense variant.
Genome position (GRCh38, 1-based): chr8:143,918,728, G>A on the plus strand (C>T on the coding strand, the complement: PLEC is on the minus strand). VCF-style: chr8-143918728-G-A. GRCh37 (hg19) VCF-style: chr8-144992896-G-A.
Other names: c.11174C>T, p.Pro3725Leu (NM_000445.5); c.7793C>T, p.Pro2598Leu (NM_001410941.1); c.11051C>T, p.Pro3684Leu (NM_201378.4); c.11027C>T, p.Pro3676Leu (NM_201379.3); c.11504C>T, p.Pro3835Leu (NM_201380.4); c.10997C>T, p.Pro3666Leu (NM_201381.3); c.11093C>T, p.Pro3698Leu (NM_201382.4); c.11105C>T, p.Pro3702Leu (NM_201383.3); short protein forms P2598L, P3666L, P3684L, P3835L, P3676L, P3725L, P3698L, P3702L.
Identifiers: ClinVar variation 4786107 (VCV004786107.1).